The following is an entry in ClinVar:

NM_001367561.1(DOCK7):c.-20TCGCCG[3]

Genes: DOCK7 (dedicator of cytokinesis 7; minus strand), LOC129930655 (ATAC-STARR-seq lymphoblastoid silent region 946; plus strand). Cytogenetic location: 1p31.3.
Variant type: Microsatellite.
Coding change: c.-20TCGCCG[3] on transcript NM_001367561.1 (MANE Select); three copies in a row of the 6-base unit TCGCCG starting at c.-20; the reference has two copies in a row; one copy, 6 bases duplicated.
Molecular consequence: 5 prime UTR variant.
Genome position (GRCh38, 1-based): chr1:62,688,273-62,688,278, CGGCGA duplicated on the plus strand (TCGCCG on the coding strand, the reverse complement: DOCK7 is on the minus strand); duplicating any 6 consecutive bases within chr1:62,688,273-62,688,289 gives the same sequence; the position shown is the placement nearest the transcript's 3' end. VCF-style (leftmost placement, unchanged base first): chr1-62688272-G-GCGGCGA. GRCh37 (hg19) VCF-style: chr1-63153943-G-GCGGCGA.
Other names: c.-20TCGCCG[3] (NM_001271999.2, NM_001272000.2, NM_001272001.2 and 3 more transcripts); c.-14_-9dupTCGCCG (NM_033407.4).
Identifiers: ClinVar variation 3349167 (VCV003349167.2).

ClinVar aggregate classification (germline): Benign. Review status: criteria provided, single submitter (1 of 4 stars). 2 submissions from 2 submitters: Benign (1). 1 of the submissions does not count toward it. Last evaluated 2024-09-12.

Conditions:
DOCK7-related disorder. Also called: DOCK7-related condition.

Submissions (2):

Women's Health and Genetics/Laboratory Corporation of America, LabCorp
Classification: Benign. Last evaluated: 2024-09-12. Review status: criteria provided, single submitter. Criteria: LabCorp Variant Classification Summary - May 2015. Collection method: clinical testing. Allele origin: germline.
Comment: Variant summary: DOCK7 c.-14_-9dupTCGCCG is located in the untranslated mRNA region upstream of the initiation codon. The variant allele was found at a frequency of 0.00027 in 1299490 control chromosomes, predominantly at a frequency of 0.0037 within the African or African-American subpopulation in the gnomAD database. The observed variant frequency within African or African-American control individuals in the gnomAD database exceeds the estimated maximal expected allele frequency for a pathogenic variant in DOCK7 causing Developmental And Epileptic Encephalopathy, 23 phenotype. To our knowledge, no occurrence of c.-14_-9dupTCGCCG in individuals affected with Developmental And Epileptic Encephalopathy, 23 and no experimental evidence demonstrating its impact on protein function have been reported. No submitters have cited clinical-significance assessments for this variant to ClinVar. Based on the evidence outlined above, the variant was classified as benign.

PreventionGenetics, part of Exact Sciences
Classification: Likely benign for DOCK7-related condition. Last evaluated: 2024-08-13. Review status: no assertion criteria provided. Collection method: clinical testing. Allele origin: germline. Not counted in ClinVar's aggregate classification.
Comment: This variant is classified as likely benign based on ACMG/AMP sequence variant interpretation guidelines (Richards et al. 2015 PMID: 25741868, with internal and published modifications).